The following is an entry in ClinVar:

ClinVar aggregate classification (germline): Uncertain significance (1 of 4 stars; one submission).

Conditions:
Left ventricular noncompaction 8 (LVNC8). Identifiers: Orphanet 154, Orphanet 54260, MedGen C3809288, MONDO:0014152, OMIM 615373.

Submission:

Labcorp Genetics (formerly Invitae), Labcorp
Classification: Uncertain significance for Left ventricular noncompaction 8. Last evaluated: 2025-03-31. Review status: criteria provided, single submitter. Criteria: Invitae Variant Classification Sherloc (09022015). Collection method: clinical testing. Allele origin: germline.
Comment: This sequence change replaces glycine, which is neutral and non-polar, with alanine, which is neutral and non-polar, at codon 516 of the PRDM16 protein (p.Gly516Ala). This variant is not present in population databases (gnomAD no frequency). This variant has not been reported in the literature in individuals affected with PRDM16-related conditions. An algorithm developed to predict the effect of missense changes on protein structure and function (PolyPhen-2) suggests that this variant is likely to be disruptive. In summary, the available evidence is currently insufficient to determine the role of this variant in disease. Therefore, it has been classified as a Variant of Uncertain Significance.

NM_022114.4(PRDM16):c.1547G>C (p.Gly516Ala)

Gene: PRDM16 (PR/SET domain 16; plus strand). Cytogenetic location: 1p36.32.
Variant type: single nucleotide variant.
Coding change: c.1547G>C on transcript NM_022114.4 (MANE Select); coding-DNA position 1547, G replaced by C.
Protein change: p.Gly516Ala; replaces glycine 516 with alanine.
Molecular consequence: missense variant.
Genome position (GRCh38, 1-based): chr1:3,411,744, G>C. VCF-style: chr1-3411744-G-C. GRCh37 (hg19) VCF-style: chr1-3328308-G-C.
Other names: c.1547G>C, p.Gly516Ala (NM_199454.3); short protein forms G516A.
Identifiers: ClinVar variation 3675352 (VCV003675352.2).